The following is an entry in ClinVar:

NM_020779.4(WDR35):c.3367G>A (p.Glu1123Lys)

Gene: WDR35 (WD repeat domain 35; minus strand). Cytogenetic location: 2p24.1.
Variant type: single nucleotide variant.
Coding change: c.3367G>A on transcript NM_020779.4 (MANE Select); coding-DNA position 3367, G replaced by A.
Protein change: p.Glu1123Lys; replaces glutamic acid 1123 with lysine.
Molecular consequence: missense variant.
Genome position (GRCh38, 1-based): chr2:19,913,704, C>T on the plus strand (G>A on the coding strand, the complement: WDR35 is on the minus strand). VCF-style: chr2-19913704-C-T. GRCh37 (hg19) VCF-style: chr2-20113465-C-T.
Other names: c.3400G>A, p.Glu1134Lys (NM_001006657.2); short protein forms E1123K, E1134K.
Identifiers: ClinVar variation 1702727 (VCV001702727.2), dbSNP rs774573858, ClinGen allele CA1542673.

ClinVar aggregate classification (germline): Uncertain significance (1 of 4 stars; one submission).

Allele frequency attached by ClinVar (database versions not stated): ExAC 0.00001; gnomAD exomes below 0.00001.
gnomAD v4.1: 1 of 1,614,022 alleles (0.000062%); highest among the groups gnomAD compares: Admixed American, 0.0017%; no homozygotes.

Submission:

GeneDx
Classification: Uncertain significance. Last evaluated: 2022-02-18. Review status: criteria provided, single submitter. Criteria: GeneDx Variant Classification Process June 2021. Collection method: clinical testing. Allele origin: germline. Affected: yes.
Comment: Not observed at significant frequency in large population cohorts (gnomAD); In silico analysis supports that this missense variant does not alter protein structure/function; Has not been previously published as pathogenic or benign to our knowledge